The following is an entry in ClinVar:

ClinVar aggregate classification (germline): Uncertain significance (1 of 4 stars; one submission).

Conditions:
Hypertrophic cardiomyopathy. Also called: HYPERTROPHIC MYOCARDIOPATHY. Identifiers: Orphanet 217569, MedGen C0007194, MeSH D002312, MONDO:0005045, HP:0001639.

Submission:

Labcorp Genetics (formerly Invitae), Labcorp
Classification: Uncertain significance for Hypertrophic cardiomyopathy. Last evaluated: 2025-12-22. Review status: criteria provided, single submitter. Criteria: Invitae Variant Classification Sherloc (09022015). Collection method: clinical testing. Allele origin: germline.
Comment: This sequence change replaces alanine, which is neutral and non-polar, with glycine, which is neutral and non-polar, at codon 277 of the MYBPC3 protein (p.Ala277Gly). This variant is not present in population databases (gnomAD no frequency). This variant has not been reported in the literature in individuals affected with MYBPC3-related conditions. An algorithm developed to predict the effect of missense changes on protein structure and function (PolyPhen-2) suggests that this variant is likely to be tolerated. In summary, the available evidence is currently insufficient to determine the role of this variant in disease. Therefore, it has been classified as a Variant of Uncertain Significance.

NM_000256.3(MYBPC3):c.830C>G (p.Ala277Gly)

Gene: MYBPC3 (myosin binding protein C3; minus strand). Cytogenetic location: 11p11.2.
Variant type: single nucleotide variant.
Coding change: c.830C>G on transcript NM_000256.3 (MANE Select); coding-DNA position 830, C replaced by G.
Protein change: p.Ala277Gly; replaces alanine 277 with glycine.
Molecular consequence: missense variant.
Genome position (GRCh38, 1-based): chr11:47,347,672, G>C on the plus strand (C>G on the coding strand, the complement: MYBPC3 is on the minus strand). VCF-style: chr11-47347672-G-C. GRCh37 (hg19) VCF-style: chr11-47369223-G-C.
Other names: short protein forms A277G.
Identifiers: ClinVar variation 4810566 (VCV004810566.1).